The following is an entry in ClinVar:

NM_182914.3(SYNE2):c.18622C>T (p.Arg6208Cys)

Gene: SYNE2 (spectrin repeat containing nuclear envelope protein 2; plus strand). Cytogenetic location: 14q23.2.
Variant type: single nucleotide variant.
Coding change: c.18622C>T on transcript NM_182914.3 (MANE Select); coding-DNA position 18622, C replaced by T.
Protein change: p.Arg6208Cys; replaces arginine 6208 with cysteine.
Molecular consequence: missense variant.
Genome position (GRCh38, 1-based): chr14:64,210,023, C>T. VCF-style: chr14-64210023-C-T. GRCh37 (hg19) VCF-style: chr14-64676741-C-T.
Other names: c.18622C>T, p.Arg6208Cys (NM_015180.6); short protein forms R6208C.
Identifiers: ClinVar variation 538324 (VCV000538324.22), dbSNP rs377305355, ClinGen allele CA7224152.
Genomic context (GRCh38, chr14:64,210,023, plus strand): 5'-GAGCGGCTCACTCAGCTGGAGCTCATCAACAAGCAGTACCGGCGGCTGGCCCGGGAGAAC[C>T]GCACAGACACGGCCAGCAGGCTGAAGCAGATGGTCCACGAGGGCAACCAGCGCTGGGACA-3'
Protein context (NP_878918.2, residues 6198-6218): KQYRRLAREN[Arg6208Cys]TDTASRLKQM

ClinVar aggregate classification (germline): Conflicting classifications of pathogenicity. Review status: criteria provided, conflicting classifications (1 of 4 stars). 2 submissions from 2 submitters: Uncertain significance (1); Likely benign (1). Last evaluated 2025-02-01.

Conditions:
Emery-Dreifuss muscular dystrophy 5, autosomal dominant (EDMD5). Also called: EMERY-DREIFUSS MUSCULAR DYSTROPHY 5. Identifiers: Orphanet 261, MedGen C2751805, MONDO:0013072, OMIM 612999.

Allele frequency attached by ClinVar (database versions not stated): gnomAD exomes 0.00006; ExAC 0.00007; gnomAD 0.00012 and 0.00013; TOPMed 0.00012; ESP Exome Variant Server 0.00031.
gnomAD v4.1: 139 of 1,613,992 alleles (0.0086%); highest among the groups gnomAD compares: Admixed American, 0.017%; no homozygotes.

Submissions (2):

CeGaT Center for Human Genetics Tuebingen
Classification: Likely benign. Last evaluated: 2025-02-01. Review status: criteria provided, single submitter. Criteria: CeGaT Center For Human Genetics Tuebingen Variant Classification Criteria Version 2. Collection method: clinical testing. Allele origin: germline. Affected: yes. Observed: 1 variant allele.
Comment: SYNE2: BS2

Labcorp Genetics (formerly Invitae), Labcorp
Classification: Uncertain significance for Emery-Dreifuss muscular dystrophy 5, autosomal dominant. Last evaluated: 2025-01-23. Review status: criteria provided, single submitter. Criteria: Invitae Variant Classification Sherloc (09022015). Collection method: clinical testing. Allele origin: germline.
Comment: This sequence change replaces arginine, which is basic and polar, with cysteine, which is neutral and slightly polar, at codon 6208 of the SYNE2 protein (p.Arg6208Cys). This variant is present in population databases (rs377305355, gnomAD 0.01%). This variant has not been reported in the literature in individuals affected with SYNE2-related conditions. ClinVar contains an entry for this variant (Variation ID: 538324). An algorithm developed to predict the effect of missense changes on protein structure and function (PolyPhen-2) suggests that this variant is likely to be disruptive. In summary, the available evidence is currently insufficient to determine the role of this variant in disease. Therefore, it has been classified as a Variant of Uncertain Significance.